The following is an entry in ClinVar:

NM_024589.3(ROGDI):c.300C>A (p.Phe100Leu)

Gene: ROGDI (rogdi atypical leucine zipper; minus strand). Cytogenetic location: 16p13.3.
Variant type: single nucleotide variant.
Coding change: c.300C>A on transcript NM_024589.3 (MANE Select); coding-DNA position 300, C replaced by A.
Protein change: p.Phe100Leu; replaces phenylalanine 100 with leucine.
Molecular consequence: missense variant. On other transcripts: non-coding transcript variant (1).
Genome position (GRCh38, 1-based): chr16:4,800,534, G>T on the plus strand (C>A on the coding strand, the complement: ROGDI is on the minus strand). VCF-style: chr16-4800534-G-T. GRCh37 (hg19) VCF-style: chr16-4850535-G-T.
Other names: short protein forms F100L.
Identifiers: ClinVar variation 1504116 (VCV001504116.5), dbSNP rs371657994, ClinGen allele CA277138725.

ClinVar aggregate classification (germline): Uncertain significance (1 of 4 stars; one submission).

Conditions:
Amelocerebrohypohidrotic syndrome (KTZS). Also called: EPILEPSY AND YELLOW TEETH; EPILEPSY, DEMENTIA, AND AMELOGENESIS IMPERFECTA; KOHLSCHUTTER SYNDROME; Kohlschutter's syndrome. Identifiers: Orphanet 1946, MedGen C0406740, MONDO:0009185, OMIM 226750.

Allele frequency attached by ClinVar (database versions not stated): ESP Exome Variant Server 0.00008.

Submission:

Labcorp Genetics (formerly Invitae), Labcorp
Classification: Uncertain significance for Amelocerebrohypohidrotic syndrome. Last evaluated: 2022-06-15. Review status: criteria provided, single submitter. Criteria: Invitae Variant Classification Sherloc (09022015). Collection method: clinical testing. Allele origin: germline.
Comment: This sequence change replaces phenylalanine, which is neutral and non-polar, with leucine, which is neutral and non-polar, at codon 100 of the ROGDI protein (p.Phe100Leu). This variant is not present in population databases (gnomAD no frequency). This variant has not been reported in the literature in individuals affected with ROGDI-related conditions. Algorithms developed to predict the effect of missense changes on protein structure and function output the following: SIFT: "Tolerated"; PolyPhen-2: "Benign"; Align-GVGD: "Class C0". The leucine amino acid residue is found in multiple mammalian species, which suggests that this missense change does not adversely affect protein function. In summary, the available evidence is currently insufficient to determine the role of this variant in disease. Therefore, it has been classified as a Variant of Uncertain Significance.